The following is an entry in ClinVar:

ClinVar aggregate classification (germline): Uncertain significance (1 of 4 stars; one submission).

gnomAD v4.1: 2 of 1,610,834 alleles (0.00012%); no homozygotes.

Submission:

Dasa
Classification: Uncertain significance. Last evaluated: 2025-07-22. Review status: criteria provided, single submitter. Criteria: DASA Assertion Criteria. Collection method: clinical testing. Allele origin: germline.
Comment: NM_013386.5(SLC25A24):c.691A>T (p.Lys231*) is a nonsense variant in SLC25A24 predicted to introduce a premature termination codon. This variant is rare in population databases. The currently available literature and clinical evidence are not sufficient to establish a definitive association between this variant and the reported condition. Therefore, this variant is classified as a variant of uncertain significance.

NM_013386.5(SLC25A24):c.691A>T (p.Lys231Ter)

Gene: SLC25A24 (solute carrier family 25 member 24; minus strand). Cytogenetic location: 1p13.3.
Variant type: single nucleotide variant.
Coding change: c.691A>T on transcript NM_013386.5 (MANE Select); coding-DNA position 691, A replaced by T.
Protein change: p.Lys231Ter; replaces lysine 231 with a stop codon.
Molecular consequence: nonsense.
Genome position (GRCh38, 1-based): chr1:108,155,114, T>A on the plus strand (A>T on the coding strand, the complement: SLC25A24 is on the minus strand). VCF-style: chr1-108155114-T-A. GRCh37 (hg19) VCF-style: chr1-108697736-T-A.
Other names: c.634A>T, p.Lys212Ter (NM_213651.3); short protein forms K212*, K231*.
Identifiers: ClinVar variation 4881780 (VCV004881780.2).